The following is an entry in ClinVar:

NM_001024630.4(RUNX2):c.*2845A>C

Gene: RUNX2 (RUNX family transcription factor 2; plus strand). Cytogenetic location: 6p21.1.
Variant type: single nucleotide variant.
Coding change: c.*2845A>C on transcript NM_001024630.4 (MANE Select); 2845 bases downstream of the stop codon, A replaced by C.
Molecular consequence: 3 prime UTR variant.
Genome position (GRCh38, 1-based): chr6:45,550,150, A>C. VCF-style: chr6-45550150-A-C. GRCh37 (hg19) VCF-style: chr6-45517887-A-C.
Other names: c.*2845A>C (NM_001015051.4, NM_001278478.2, NM_001369405.1).
Identifiers: ClinVar variation 357136 (VCV000357136.29), dbSNP rs558458433, ClinGen allele CA10622265.
Genomic context (GRCh38, chr6:45,550,150, plus strand): 5'-TACTGTGGAACCATGTACTAGTTCCTGGGAATTAAAATAGCGTGGTTCTCTTTGTAGCAC[A>C]AACATTGCTGGAATTTGCAGTCTTTTCAATGCAGCCACATTTTTATCCATTTCAGTTGTC-3'

ClinVar aggregate classification (germline): Conflicting classifications of pathogenicity. Review status: criteria provided, conflicting classifications (1 of 4 stars). 2 submissions from 2 submitters: Uncertain significance (1); Benign (1). Last evaluated 2022-10-01.

Conditions:
Cleidocranial dysostosis (CLCD1). Also called: Cleidocranial Dysplasia Spectrum Disorder; cleidocranial dysplasia 1; Marie-Sainton disease. Identifiers: Orphanet 1452, MedGen C0008928, MONDO:0007340, OMIM 119600.

Allele frequency attached by ClinVar (database versions not stated): TOPMed 0.00063; gnomAD 0.00067 and 0.00073.

Submissions (2):

CeGaT Center for Human Genetics Tuebingen
Classification: Benign. Last evaluated: 2022-10-01. Review status: criteria provided, single submitter. Criteria: CeGaT Center For Human Genetics Tuebingen Variant Classification Criteria Version 2. Collection method: clinical testing. Allele origin: germline. Affected: yes. Observed: 1 variant allele.
Comment: RUNX2: BS1, BS2

Illumina Laboratory Services, Illumina
Classification: Uncertain significance for Cleidocranial dysostosis. Last evaluated: 2018-01-12. Review status: criteria provided, single submitter. Criteria: ICSL Variant Classification Criteria 13 December 2019. Collection method: clinical testing. Allele origin: germline.